The following is an entry in ClinVar:

ClinVar aggregate classification (germline): Uncertain significance (1 of 4 stars; one submission).

Conditions:
Leigh syndrome (NULS). Also called: Leigh's necrotizing encephalopathy; Leigh's disease; Leigh's syndrome; LEIGH SYNDROME, NUCLEAR; Leigh Syndrome (mtDNA deletion); Leigh Disease. Identifiers: Orphanet 506, MedGen C2931891, MONDO:0009723, OMIM 256000.

Submission:

Wong Mito Lab, Molecular and Human Genetics, Baylor College of Medicine
Classification: Uncertain significance for Leigh syndrome. Last evaluated: 2019-10-17. Review status: criteria provided, single submitter. Criteria: Modified ACMG Guidelines (Unpublished). Collection method: clinical testing. Allele origin: germline.
Comment: The NC_012920.1:m.14140A>G (YP_003024036.1:p.Ile602Val) variant in MTND5 gene is interpretated to be a Uncertain Significance variant based on the modified ACMG guidelines (unpublished). This variant meets the following evidence codes: PP7, BP4

NC_012920.1(MT-ND5):m.14140A>G

Gene: MT-ND5 (mitochondrially encoded NADH dehydrogenase 5; plus strand).
Variant type: single nucleotide variant.
Genome position: chrM-14140-A-G.
Identifiers: ClinVar variation 693673 (VCV000693673.1), dbSNP rs1603224551, ClinGen allele CA414821086.